The following is an entry in ClinVar:

NM_144997.7(FLCN):c.194A>C (p.Glu65Ala)

Gene: FLCN (folliculin; minus strand). Cytogenetic location: 17p11.2.
Variant type: single nucleotide variant.
Coding change: c.194A>C on transcript NM_144997.7 (MANE Select); coding-DNA position 194, A replaced by C.
Protein change: p.Glu65Ala; replaces glutamic acid 65 with alanine.
Molecular consequence: missense variant.
Genome position (GRCh38, 1-based): chr17:17,227,944, T>G on the plus strand (A>C on the coding strand, the complement: FLCN is on the minus strand). VCF-style: chr17-17227944-T-G. GRCh37 (hg19) VCF-style: chr17-17131258-T-G.
Other names: c.194A>C (LRG_325t1); c.194A>C, p.Glu65Ala (NM_001353229.2, NM_001353230.2, NM_001353231.2 and 1 more transcripts); short protein forms E65A.
Identifiers: ClinVar variation 577167 (VCV000577167.8), dbSNP rs757012294, ClinGen allele CA8416501.

ClinVar aggregate classification (germline): Conflicting classifications of pathogenicity. Review status: criteria provided, conflicting classifications (1 of 4 stars). 3 submissions from 3 submitters: Uncertain significance (1); Benign (1); Likely benign (1). Last evaluated 2025-02-20.

Conditions:
Birt-Hogg-Dube syndrome. Also called: Birt Hogg Dubé syndrome. Identifiers: Orphanet 122, MedGen C0346010, MONDO:0800444.
Hereditary cancer-predisposing syndrome. Also called: Hereditary neoplastic syndrome; Tumor predisposition; Hereditary Cancer Syndrome; Neoplastic Syndromes, Hereditary. Identifiers: Orphanet 140162, MedGen C0027672, MeSH D009386, MONDO:0015356.
Birt-Hogg-Dube syndrome 1 (BHD1). Also called: FIBROFOLLICULOMAS WITH TRICHODISCOMAS AND ACROCHORDONS. Identifiers: Orphanet 122, MedGen CN375946, MONDO:0800445, OMIM 135150.

Allele frequency attached by ClinVar (database versions not stated): gnomAD below 0.00001 and 0.00001; gnomAD exomes 0.00002 and 0.00003; ExAC 0.00005.
gnomAD v4.1: 13 of 1,614,044 alleles (0.00081%); highest among the groups gnomAD compares: South Asian, 0.014%; no homozygotes.

Submissions (3):

Ambry Genetics
Classification: Benign for Hereditary cancer-predisposing syndrome. Last evaluated: 2025-02-20. Review status: criteria provided, single submitter. Criteria: Ambry Variant Classification Scheme 2023. Collection method: clinical testing. Allele origin: germline.

Myriad Genetics, Inc.
Classification: Likely benign for Birt-Hogg-Dube syndrome 1. Last evaluated: 2024-10-22. Review status: criteria provided, single submitter. Criteria: Myriad Autosomal Dominant, Autosomal Recessive and X-Linked Classification Criteria (2023). Collection method: clinical testing. Allele origin: unknown.
Comment: This variant is considered likely benign. This variant has been observed at a population frequency that is significantly greater than expected given the associated disease prevalence and penetrance.

Labcorp Genetics (formerly Invitae), Labcorp
Classification: Uncertain significance for Birt-Hogg-Dube syndrome. Last evaluated: 2018-04-12. Review status: criteria provided, single submitter. Criteria: Invitae Variant Classification Sherloc (09022015). Collection method: clinical testing. Allele origin: germline.
Comment: This sequence change replaces glutamic acid with alanine at codon 65 of the FLCN protein (p.Glu65Ala). The glutamic acid residue is highly conserved and there is a moderate physicochemical difference between glutamic acid and alanine. This variant is present in population databases (rs757012294, ExAC 0.04%). This variant has not been reported in the literature in individuals with FLCN-related disease. Algorithms developed to predict the effect of missense changes on protein structure and function do not agree on the potential impact of this missense change (SIFT: "Deleterious"; PolyPhen-2: "Benign"; Align-GVGD: "Class C0"). In summary, the available evidence is currently insufficient to determine the role of this variant in disease. Therefore, it has been classified as a Variant of Uncertain Significance.